The following is an entry in ClinVar:

ClinVar aggregate classification (germline): Uncertain significance (1 of 4 stars; one submission).

Conditions:
Diamond-Blackfan anemia. Also called: Blackfan Diamond syndrome; Aregenerative anemia chronic congenital; Red cell aplasia, pure hereditary; Congenital hypoplastic anemia; Aase syndrome. Identifiers: Orphanet 124, MedGen C1260899, MeSH D029503, MONDO:0015253, HP:0004810.

Submission:

Labcorp Genetics (formerly Invitae), Labcorp
Classification: Uncertain significance for Diamond-Blackfan anemia. Last evaluated: 2024-12-26. Review status: criteria provided, single submitter. Criteria: Invitae Variant Classification Sherloc (09022015). Collection method: clinical testing. Allele origin: germline.
Comment: This sequence change replaces lysine, which is basic and polar, with glutamic acid, which is acidic and polar, at codon 38 of the RPS10 protein (p.Lys38Glu). This variant is not present in population databases (gnomAD no frequency). This variant has not been reported in the literature in individuals affected with RPS10-related conditions. An algorithm developed to predict the effect of missense changes on protein structure and function (PolyPhen-2) suggests that this variant is likely to be tolerated. In summary, the available evidence is currently insufficient to determine the role of this variant in disease. Therefore, it has been classified as a Variant of Uncertain Significance.

NM_001014.5(RPS10):c.112A>G (p.Lys38Glu)

Genes: RPS10 (ribosomal protein S10; minus strand), RPS10-NUDT3 (RPS10-NUDT3 readthrough; minus strand). Cytogenetic location: 6p21.31.
Variant type: single nucleotide variant.
Coding change: c.112A>G on transcript NM_001014.5 (MANE Select); coding-DNA position 112, A replaced by G.
Protein change: p.Lys38Glu; replaces lysine 38 with glutamic acid.
Molecular consequence: missense variant.
Genome position (GRCh38, 1-based): chr6:34,425,110, T>C on the plus strand (A>G on the coding strand, the complement: RPS10 is on the minus strand). VCF-style: chr6-34425110-T-C. GRCh37 (hg19) VCF-style: chr6-34392887-T-C.
Other names: c.112A>G, p.Lys38Glu (NM_001202470.3, NM_001203245.3, NM_001204091.2); short protein forms K38E.
Identifiers: ClinVar variation 3613117 (VCV003613117.2).